The following is an entry in ClinVar:

NM_000051.4(ATM):c.3622_3624del (p.Asp1208del)

Gene: ATM (ATM serine/threonine kinase; plus strand). Cytogenetic location: 11q22.3.
Variant type: Deletion.
Coding change: c.3622_3624del on transcript NM_000051.4 (MANE Select); coding-DNA positions 3622 to 3624, 3 bases deleted (GAC; older notation c.3622_3624delGAC).
Protein change: p.Asp1208del; deletes aspartic acid 1208.
Molecular consequence: inframe deletion.
Genome position (GRCh38, 1-based): chr11:108,282,755-108,282,757, GAC deleted. VCF-style (leftmost placement, unchanged base first): chr11-108282754-AGAC-A. GRCh37 (hg19) VCF-style: chr11-108153481-AGAC-A.
Other names: c.3622_3624del, p.Asp1208del (NM_001351834.2); short protein forms D1208del.
Identifiers: ClinVar variation 1389379 (VCV001389379.6), dbSNP rs2082297886, ClinGen allele CA941942883.
Genomic context (GRCh38, chr11:108,282,754, plus strand): 5'-TTTTTGGTTCGTGCAGGTTTTAGAGAAAGTTTCTGAAACTTTTGGATATAGACGTTTAGA[AGAC>A]TTTATGGCATCTCATTTAGATTATCTGGTTTTGGAATGGCTAAATCTTCAAGATACTGAA-3'

ClinVar aggregate classification (germline): Uncertain significance (1 of 4 stars; one submission).

Conditions:
Ataxia-telangiectasia syndrome (AT). Also called: Ataxia-telangiectasia, complementation group D; Ataxia telangiectasia (A-T); Cerebello-oculocutaneous telangiectasia; Immunodeficiency with ataxia telangiectasia; ATAXIA-TELANGIECTASIA, COMPLEMENTATION GROUP A; ATAXIA-TELANGIECTASIA, FRESNO VARIANT. Identifiers: Orphanet 100, MedGen C0004135, MONDO:0008840, OMIM 208900.

Allele frequency attached by ClinVar (database versions not stated): TOPMed below 0.00001; gnomAD 0.00001.

Submission:

Labcorp Genetics (formerly Invitae), Labcorp
Classification: Uncertain significance for Ataxia-telangiectasia syndrome. Last evaluated: 2021-10-25. Review status: criteria provided, single submitter. Criteria: Invitae Variant Classification Sherloc (09022015). Collection method: clinical testing. Allele origin: germline.
Comment: In summary, the available evidence is currently insufficient to determine the role of this variant in disease. Therefore, it has been classified as a Variant of Uncertain Significance. Experimental studies and prediction algorithms are not available or were not evaluated, and the functional significance of this variant is currently unknown. This variant has not been reported in the literature in individuals affected with ATM-related conditions. This variant is not present in population databases (gnomAD no frequency). This variant, c.3622_3624del, results in the deletion of 1 amino acid(s) of the ATM protein (p.Asp1208del), but otherwise preserves the integrity of the reading frame.